The following is an entry in ClinVar:

NM_000540.3(RYR1):c.32A>C (p.Gln11Pro)

Gene: RYR1 (ryanodine receptor 1; plus strand). Cytogenetic location: 19q13.2.
Variant type: single nucleotide variant.
Coding change: c.32A>C on transcript NM_000540.3 (MANE Select); coding-DNA position 32, A replaced by C.
Protein change: p.Gln11Pro; replaces glutamine 11 with proline.
Molecular consequence: missense variant.
Genome position (GRCh38, 1-based): chr19:38,433,861, A>C. VCF-style: chr19-38433861-A-C. GRCh37 (hg19) VCF-style: chr19-38924501-A-C.
Other names: c.32A>C, p.Gln11Pro (NM_001042723.2); short protein forms Q11P.
Identifiers: ClinVar variation 3387615 (VCV003387615.1).

ClinVar aggregate classification (germline): Uncertain significance (1 of 4 stars; one submission).

Conditions:
Malignant hyperthermia, susceptibility to, 1 (MHS1). Also called: Anesthesia related hyperthermia; Malignant hyperpyrexia; Fulminating hyperpyrexia; Pharmacogenic myopathy; RYR1-Related Malignant Hyperthermia Susceptibility; Malignant hyperthermia suceptibility 1. Identifiers: Orphanet 423, MedGen C2930980, MONDO:0007783, OMIM 145600.

Submission:

All of Us Research Program, National Institutes of Health
Classification: Uncertain significance for Malignant hyperthermia, susceptibility to, 1. Last evaluated: 2024-07-20. Review status: criteria provided, single submitter. Criteria: ACMG Guidelines, 2015. Collection method: clinical testing. Allele origin: germline. Inheritance: Autosomal dominant inheritance. Observed: 1 variant allele, 1 heterozygote.
Comment: This missense variant replaces glutamine with proline at codon 11 of the RYR1 protein. Computational prediction suggests that this variant may have deleterious impact on protein structure and function (internally defined REVEL score threshold >= 0.7, PMID: 27666373). To our knowledge, functional studies have not been reported for this variant. This variant has not been reported in individuals affected with RYR1-related disorders in the literature. This variant has not been identified in the general population by the Genome Aggregation Database (gnomAD). The available evidence is insufficient to determine the role of this variant in disease conclusively. Therefore, this variant is classified as a Variant of Uncertain Significance.

This study involves interpretation of variants in research participants for the purpose of population health screening. Participant phenotype was not available at the time of variant classification. Additional details can be found in publication PMID: 35346344, PMCID: PMC8962531